The following is an entry in ClinVar:

NM_000181.4(GUSB):c.1136A>G (p.Asn379Ser)

Gene: GUSB (glucuronidase beta; minus strand). Cytogenetic location: 7q11.21.
Variant type: single nucleotide variant.
Coding change: c.1136A>G on transcript NM_000181.4 (MANE Select); coding-DNA position 1136, A replaced by G.
Protein change: p.Asn379Ser; replaces asparagine 379 with serine.
Molecular consequence: missense variant. On other transcripts: non-coding transcript variant (1).
Genome position (GRCh38, 1-based): chr7:65,974,634, T>C on the plus strand (A>G on the coding strand, the complement: GUSB is on the minus strand). VCF-style: chr7-65974634-T-C. GRCh37 (hg19) VCF-style: chr7-65439621-T-C.
Other names: c.698A>G, p.Asn233Ser (NM_001284290.2); c.566A>G, p.Asn189Ser (NM_001293104.2); c.479A>G, p.Asn160Ser (NM_001293105.2); short protein forms N233S, N189S, N379S, N160S.
Identifiers: ClinVar variation 838570 (VCV000838570.7), dbSNP rs1289930946, ClinGen allele CA367644088.

ClinVar aggregate classification (germline): Uncertain significance (1 of 4 stars; one submission).

Conditions:
Mucopolysaccharidosis type 7 (MPS7). Also called: BETA-GLUCURONIDASE DEFICIENCY; MPS VII; GUSB DEFICIENCY; SLY SYNDROME. Identifiers: Orphanet 584, MedGen C0085132, MONDO:0009662, OMIM 253220.

Allele frequency attached by ClinVar (database versions not stated): gnomAD exomes below 0.00001; TOPMed below 0.00001.
gnomAD v4.1: 2 of 1,613,962 alleles (0.00012%); highest among the groups gnomAD compares: South Asian, 0.0011%; no homozygotes.

Submission:

Labcorp Genetics (formerly Invitae), Labcorp
Classification: Uncertain significance for Mucopolysaccharidosis type 7. Last evaluated: 2023-12-07. Review status: criteria provided, single submitter. Criteria: Invitae Variant Classification Sherloc (09022015). Collection method: clinical testing. Allele origin: germline.
Comment: This sequence change replaces asparagine, which is neutral and polar, with serine, which is neutral and polar, at codon 379 of the GUSB protein (p.Asn379Ser). This variant is not present in population databases (gnomAD no frequency). This variant has not been reported in the literature in individuals affected with GUSB-related conditions. ClinVar contains an entry for this variant (Variation ID: 838570). Advanced modeling of protein sequence and biophysical properties (such as structural, functional, and spatial information, amino acid conservation, physicochemical variation, residue mobility, and thermodynamic stability) performed at Invitae indicates that this missense variant is expected to disrupt GUSB protein function with a positive predictive value of 80%. In summary, the available evidence is currently insufficient to determine the role of this variant in disease. Therefore, it has been classified as a Variant of Uncertain Significance.